The following is an entry in ClinVar:

ClinVar aggregate classification (germline): Uncertain significance (1 of 4 stars; one submission).

Conditions:
Autosomal recessive limb-girdle muscular dystrophy type R18 (LGMDR18). Also called: MUSCULAR DYSTROPHY, LIMB-GIRDLE, AUTOSOMAL RECESSIVE 18; Limb-girdle muscular dystrophy, type 2S; Autosomal recessive limb-girdle muscular dystrophy type 2S. Identifiers: Orphanet 369840, MedGen C4517996, MONDO:0014144, OMIM 615356.

Submission:

Labcorp Genetics (formerly Invitae), Labcorp
Classification: Uncertain significance for Autosomal recessive limb-girdle muscular dystrophy type R18. Last evaluated: 2021-12-02. Review status: criteria provided, single submitter. Criteria: Invitae Variant Classification Sherloc (09022015). Collection method: clinical testing. Allele origin: germline.
Comment: This sequence change replaces isoleucine, which is neutral and non-polar, with threonine, which is neutral and polar, at codon 739 of the TRAPPC11 protein (p.Ile739Thr). This variant is not present in population databases (gnomAD no frequency). This variant has not been reported in the literature in individuals affected with TRAPPC11-related conditions. Algorithms developed to predict the effect of missense changes on protein structure and function are either unavailable or do not agree on the potential impact of this missense change (SIFT: "Deleterious"; PolyPhen-2: "Benign"; Align-GVGD: "Class C25"). In summary, the available evidence is currently insufficient to determine the role of this variant in disease. Therefore, it has been classified as a Variant of Uncertain Significance.

NM_021942.6(TRAPPC11):c.2216T>C (p.Ile739Thr)

Gene: TRAPPC11 (trafficking protein particle complex subunit 11; plus strand). Cytogenetic location: 4q35.1.
Variant type: single nucleotide variant.
Coding change: c.2216T>C on transcript NM_021942.6 (MANE Select); coding-DNA position 2216, T replaced by C.
Protein change: p.Ile739Thr; replaces isoleucine 739 with threonine.
Molecular consequence: missense variant.
Genome position (GRCh38, 1-based): chr4:183,693,126, T>C. VCF-style: chr4-183693126-T-C. GRCh37 (hg19) VCF-style: chr4-184614279-T-C.
Other names: c.2216T>C, p.Ile739Thr (NM_199053.3); short protein forms I739T.
Identifiers: ClinVar variation 1498577 (VCV001498577.6), dbSNP rs2111065455, ClinGen allele CA358871071.
Genomic context (GRCh38, chr4:183,693,126, plus strand): 5'-CAGCTCGGTCTTTCAAAAGGCGACCTAAGCTACCTGACAATGAAGTTCACTGGGACAGCA[T>C]TATAATTCAGGCAAGCACAATGTAAGTCTGCTTTGCTAAGCTGATATTAAAGGTCATCCT-3'
Protein context (NP_068761.4, residues 729-749): LPDNEVHWDS[Ile739Thr]IIQASTMIIS